The following is an entry in ClinVar:

NM_032578.4(MYPN):c.3793+4A>G

Gene: MYPN (myopalladin; plus strand). Cytogenetic location: 10q21.3.
Variant type: single nucleotide variant.
Coding change: c.3793+4A>G on transcript NM_032578.4 (MANE Select); 4 bases into the intron after coding-DNA position 3793, A replaced by G.
Molecular consequence: intron variant.
Genome position (GRCh38, 1-based): chr10:68,206,907, A>G. VCF-style: chr10-68206907-A-G. GRCh37 (hg19) VCF-style: chr10-69966664-A-G.
Other names: p.?; c.3793+4A>G (NM_001256267.2, NM_032578.3); c.2911+4A>G (NM_001256268.2).
Identifiers: ClinVar variation 1187289 (VCV001187289.11), dbSNP rs145946587, ClinGen allele CA5523145.

ClinVar aggregate classification (germline): Conflicting classifications of pathogenicity. Review status: criteria provided, conflicting classifications (1 of 4 stars). 5 submissions from 5 submitters: Uncertain significance (2); Likely benign (3). Last evaluated 2025-06-17.

Conditions:
Cardiovascular phenotype. Identifiers: MedGen CN230736.
Dilated cardiomyopathy 1KK (CMD1KK). Identifiers: Orphanet 154, Orphanet 75249, MedGen C3714995, MONDO:0014100, OMIM 615248.

Allele frequency attached by ClinVar (database versions not stated): gnomAD exomes 0.00002; ExAC 0.00003; TOPMed 0.00007; gnomAD 0.00008 and 0.00009; ESP Exome Variant Server 0.00023; 1000 Genomes Project 0.00040; 1000 Genomes Project 30x 0.00062.
gnomAD v4.1: 27 of 1,614,146 alleles (0.0017%); highest among the groups gnomAD compares: African/African-American, 0.033%; no homozygotes.

Submissions (5):

Mayo Clinic Laboratories, Mayo Clinic
Classification: Likely benign. Last evaluated: 2025-06-17. Review status: criteria provided, single submitter. Criteria: ACMG Guidelines, 2015. Collection method: clinical testing. Allele origin: germline. Observed: 1 variant allele.
Comment: BS1, BP4, BP7

Ambry Genetics
Classification: Uncertain significance for Cardiovascular phenotype. Last evaluated: 2024-01-17. Review status: criteria provided, single submitter. Criteria: Ambry Variant Classification Scheme 2023. Collection method: clinical testing. Allele origin: germline.
Comment: The c.3793+4A>G intronic variant results from an A to G substitution 4 nucleotides after coding exon 18 in the MYPN gene. This nucleotide position is poorly conserved in available vertebrate species. In silico splice site analysis predicts that this alteration will not have any significant effect on splicing. Since supporting evidence is limited at this time, the clinical significance of this alteration remains unclear.

Blueprint Genetics
Classification: Likely benign. Last evaluated: 2023-09-12. Review status: criteria provided, single submitter. Criteria: ACMG Guidelines, 2015. Collection method: clinical testing. Allele origin: germline.

Labcorp Genetics (formerly Invitae), Labcorp
Classification: Uncertain significance for Dilated cardiomyopathy 1KK. Last evaluated: 2023-04-29. Review status: criteria provided, single submitter. Criteria: Invitae Variant Classification Sherloc (09022015). Collection method: clinical testing. Allele origin: germline.
Comment: This variant has not been reported in the literature in individuals affected with MYPN-related conditions. This sequence change falls in intron 19 of the MYPN gene. It does not directly change the encoded amino acid sequence of the MYPN protein. It affects a nucleotide within the consensus splice site. This variant is present in population databases (rs145946587, gnomAD 0.02%). ClinVar contains an entry for this variant (Variation ID: 1187289). Variants that disrupt the consensus splice site are a relatively common cause of aberrant splicing (PMID: 17576681, 9536098). Algorithms developed to predict the effect of sequence changes on RNA splicing suggest that this variant is not likely to affect RNA splicing. In summary, the available evidence is currently insufficient to determine the role of this variant in disease. Therefore, it has been classified as a Variant of Uncertain Significance.

GeneDx
Classification: Likely benign. Last evaluated: 2019-01-08. Review status: criteria provided, single submitter. Criteria: GeneDx Variant Classification Process June 2021. Collection method: clinical testing. Allele origin: germline. Affected: yes.

Literature cited by the submitters: PubMed 17576681 (cited by Labcorp Genetics (formerly Invitae), Labcorp); PubMed 9536098 (cited by Labcorp Genetics (formerly Invitae), Labcorp).